The following is an entry in ClinVar:

NM_001024845.3(SLC6A9):c.31-674G>A

Gene: SLC6A9 (solute carrier family 6 member 9; minus strand). Cytogenetic location: 1p34.1.
Variant type: single nucleotide variant.
Coding change: c.31-674G>A on transcript NM_001024845.3 (MANE Select); 674 bases into the intron before coding-DNA position 31, G replaced by A.
Molecular consequence: intron variant.
Genome position (GRCh38, 1-based): chr1:44,011,556, C>T on the plus strand (G>A on the coding strand, the complement: SLC6A9 is on the minus strand). VCF-style: chr1-44011556-C-T. GRCh37 (hg19) VCF-style: chr1-44477228-C-T.
Other names: c.-14-2933G>A (NM_001328630.2, NM_001328626.2); c.31-674G>A (NM_001328629.1); c.125-2933G>A (NM_001328628.1); c.125-1460G>A (NM_001328627.1); c.88-674G>A (NM_001261380.2, NM_006934.4); c.249+5G>A (NM_201649.4).
Identifiers: ClinVar variation 2104022 (VCV002104022.4), dbSNP rs1303225997, ClinGen allele CA2580062870.

ClinVar aggregate classification (germline): Uncertain significance (1 of 4 stars; one submission).

Conditions:
Atypical glycine encephalopathy. Also called: Glycine encephalopathy with normal serum glycine. Identifiers: Orphanet 289863, MedGen C4310943, MONDO:0015010, OMIM 617301.

Allele frequency attached by ClinVar (database versions not stated): gnomAD exomes below 0.00001.

Submission:

Labcorp Genetics (formerly Invitae), Labcorp
Classification: Uncertain significance for Atypical glycine encephalopathy. Last evaluated: 2022-08-22. Review status: criteria provided, single submitter. Criteria: Invitae Variant Classification Sherloc (09022015). Collection method: clinical testing. Allele origin: germline.
Comment: In summary, the available evidence is currently insufficient to determine the role of this variant in disease. Therefore, it has been classified as a Variant of Uncertain Significance. Variants that disrupt the consensus splice site are a relatively common cause of aberrant splicing (PMID: 17576681, 9536098). Algorithms developed to predict the effect of sequence changes on RNA splicing suggest that this variant may disrupt the consensus splice site. This variant has not been reported in the literature in individuals affected with SLC6A9-related conditions. This variant is not present in population databases (gnomAD no frequency). This sequence change falls in intron 2 of the SLC6A9 gene. It does not directly change the encoded amino acid sequence of the SLC6A9 protein. It affects a nucleotide within the consensus splice site.

Literature cited by the submitters: PubMed 17576681; PubMed 9536098.